The following is an entry in ClinVar:

ClinVar aggregate classification (germline): Likely benign (0 of 4 stars; one submission).

Conditions:
FAM20C-related disorder. Also called: FAM20C-related condition.

gnomAD v4.1: 1 of 1,267,026 alleles (0.000079%); highest among the groups gnomAD compares: Non-Finnish European, 0.000099%; no homozygotes.

Submission:

PreventionGenetics, part of Exact Sciences
Classification: Likely benign for FAM20C-related condition. Last evaluated: 2023-05-02. Review status: no assertion criteria provided. Collection method: clinical testing. Allele origin: germline.
Comment: This variant is classified as likely benign based on ACMG/AMP sequence variant interpretation guidelines (Richards et al. 2015 PMID: 25741868, with internal and published modifications).

NM_020223.4(FAM20C):c.171G>T (p.Ala57=)

Gene: FAM20C (FAM20C golgi associated secretory pathway kinase; plus strand). Cytogenetic location: 7p22.3.
Variant type: single nucleotide variant.
Coding change: c.171G>T on transcript NM_020223.4 (MANE Select); coding-DNA position 171, G replaced by T.
Protein change: p.Ala57=; no amino-acid change (alanine 57 retained).
Molecular consequence: synonymous variant.
Genome position (GRCh38, 1-based): chr7:193,370, G>T. VCF-style: chr7-193370-G-T. GRCh37 (hg19) VCF-style: chr7-193370-G-T.
Identifiers: ClinVar variation 3055473 (VCV003055473.2), dbSNP rs1785667978, ClinGen allele CA453615605.